The following is an entry in ClinVar:

ClinVar aggregate classification (germline): Pathogenic/Likely pathogenic. Review status: criteria provided, multiple submitters, no conflicts (2 of 4 stars). 2 submissions from 2 submitters: Pathogenic (1); Likely pathogenic (1). Last evaluated 2025-12-09.

Conditions:
alpha Thalassemia. Also called: Alpha thalassemia spectrum. Identifiers: Orphanet 846, MedGen C0002312, MONDO:0011399, OMIM 604131.

Submissions (2):

Natera, Inc.
Classification: Likely pathogenic for Alpha thalassemia. Last evaluated: 2025-12-09. Review status: criteria provided, single submitter. Criteria: Natera Variant Classification Schema (03/2026). Collection method: clinical testing. Allele origin: germline.
Comment: The c.373T>C variant in HBA2 is a missense variant predicted to cause substitution of serine to proline at amino acid 125. This variant is rare in the general population with a frequency below the threshold expected for the associated phenotype(s). This variant has been observed in one or more individuals affected with the associated recessive disease, as either homozygous or compound heterozygous with a second variant (PMID: 25730315). Functional studies show that this variant may disrupt protein function (PMID: 25730315). Computational prediction algorithms indicate this variant is likely to affect gene or protein function. Given the available evidence, this variant is classified as Likely Pathogenic.

ARUP Laboratories, Molecular Genetics and Genomics, ARUP Laboratories
Classification: Pathogenic. Last evaluated: 2024-01-30. Review status: criteria provided, single submitter. Criteria: ARUP Molecular Germline Variant Investigation Process 2024. Collection method: clinical testing. Allele origin: germline.
Comment: The Hb Policoro variant (HBA2: c.373T>C; p.Ser125Pro, also known as Ser124Pro when numbered from the mature protein, rs41486646, HbVar ID: 1172) is reported in the literature in heterozygous individuals from five unrelated families with mild anemia, and in one individual who was compound heterozygous with the 3.7 deletion who had a more severe phenotype (Bisconte 2015). This variant is also absent from the Genome Aggregation Database (v2.1.1), indicating it is not a common polymorphism. In vitro functional analyses demonstrate a reduction of mRNA levels and protein instability (Bisconte 2015). Additionally, computational analyses predict that this variant is deleterious (REVEL: 0.75). Based on available information, this variant is considered to be pathogenic. References: Link to HbVar database: Bisconte MG et al. a-Thalassemia associated with hb instability: a tale of two features. the case of Hb Rogliano or a1 Cod 108(G15)Thr?Asn and Hb Policoro or a2 Cod 124(H7)Ser?Pro. PLoS One. 2015 Mar 2;10(3):e0115738. PMID: 25730315.

Literature cited by the submitters: PubMed 25730315 (cited by Natera, Inc.).

NM_000517.6(HBA2):c.373T>C (p.Ser125Pro)

Genes: HBA2 (hemoglobin subunit alpha 2; plus strand), LOC106804612 (hemoglobin subunit alpha 2 recombination region; plus strand). Cytogenetic location: 16p13.3.
Variant type: single nucleotide variant.
Coding change: c.373T>C on transcript NM_000517.6 (MANE Select); coding-DNA position 373, T replaced by C.
Protein change: p.Ser125Pro; replaces serine 125 with proline.
Molecular consequence: missense variant.
Genome position (GRCh38, 1-based): chr16:173,544, T>C. VCF-style: chr16-173544-T-C. GRCh37 (hg19) VCF-style: chr16-223543-T-C.
Other names: c.373T>C (NM_000517.5); short protein forms S125P.
Identifiers: ClinVar variation 3767074 (VCV003767074.2).